The following is an entry in ClinVar:

ClinVar aggregate classification (germline): Uncertain significance (1 of 4 stars; one submission).

Conditions:
Inborn genetic diseases. Identifiers: MedGen C0950123, MeSH D030342.

Submission:

Ambry Genetics
Classification: Uncertain significance for Inborn genetic diseases. Last evaluated: 2025-11-10. Review status: criteria provided, single submitter. Criteria: Ambry Variant Classification Scheme 2023. Collection method: clinical testing. Allele origin: germline.
Comment: The c.2132-32T>C intronic alteration consists of a T to C substitution 32 nucleotides before exon 14 (coding exon 13) in the SCN8A gene. This variant was not reported in population-based cohorts in the Genome Aggregation Database (gnomAD). This nucleotide position is well conserved in available vertebrate species. In silico splice site analysis predicts that this alteration will weaken the native splice acceptor site. Based on insufficient or conflicting evidence, the clinical significance of this alteration remains unclear.

NM_001330260.2(SCN8A):c.2132-32T>C

Gene: SCN8A (sodium voltage-gated channel alpha subunit 8; plus strand). Cytogenetic location: 12q13.13.
Variant type: single nucleotide variant.
Coding change: c.2132-32T>C on transcript NM_001330260.2 (MANE Select); 32 bases into the intron before coding-DNA position 2132, T replaced by C.
Molecular consequence: intron variant.
Genome position (GRCh38, 1-based): chr12:51,751,323, T>C. VCF-style: chr12-51751323-T-C. GRCh37 (hg19) VCF-style: chr12-52145107-T-C.
Other names: c.2132-32T>C (NM_014191.4, NM_001177984.3, NM_001369788.1).
Identifiers: ClinVar variation 4630333 (VCV004630333.1).